The following is an entry in ClinVar:

NM_182493.3(MYLK3):c.2219C>T (p.Ser740Leu)

Gene: MYLK3 (myosin light chain kinase 3; minus strand). Cytogenetic location: 16q11.2.
Variant type: single nucleotide variant.
Coding change: c.2219C>T on transcript NM_182493.3 (MANE Select); coding-DNA position 2219, C replaced by T.
Protein change: p.Ser740Leu; replaces serine 740 with leucine.
Molecular consequence: missense variant.
Genome position (GRCh38, 1-based): chr16:46,710,685, G>A on the plus strand (C>T on the coding strand, the complement: MYLK3 is on the minus strand). VCF-style: chr16-46710685-G-A. GRCh37 (hg19) VCF-style: chr16-46744597-G-A.
Other names: c.1196C>T, p.Ser399Leu (NM_001308301.1); short protein forms S740L, S399L.
Identifiers: ClinVar variation 1443620 (VCV001443620.7), dbSNP rs375441580, ClinGen allele CA8037651.
Genomic context (GRCh38, chr16:46,710,685, plus strand): 5'-AATGAAAGGTACCTCTTCTCTTTGACCAGCAACCGGGAAACAAAGTCCTTGGCCTCCTCC[G>A]AGAGCCCTTCAAAGGTGTCAGCATCAAAATCCCAGCTACAGTTTACAATGAAATTCATGG-3'
Protein context (NP_872299.2, residues 730-750): DFDADTFEGL[Ser740Leu]EEAKDFVSRL

ClinVar aggregate classification (germline): Uncertain significance. Review status: criteria provided, multiple submitters, no conflicts (2 of 4 stars). 2 submissions from 2 submitters: Uncertain significance (2). Last evaluated 2025-12-24.

Allele frequency attached by ClinVar (database versions not stated): gnomAD 0.00003 and 0.00004; gnomAD exomes 0.00004; TOPMed 0.00006; ExAC 0.00008; ESP Exome Variant Server 0.00008.
gnomAD v4.1: 24 of 1,613,992 alleles (0.0015%); highest among the groups gnomAD compares: Middle Eastern, 0.049%; no homozygotes.

Submissions (2):

Labcorp Genetics (formerly Invitae), Labcorp
Classification: Uncertain significance. Last evaluated: 2025-12-24. Review status: criteria provided, single submitter. Criteria: Invitae Variant Classification Sherloc (09022015). Collection method: clinical testing. Allele origin: germline.
Comment: This sequence change replaces serine, which is neutral and polar, with leucine, which is neutral and non-polar, at codon 740 of the MYLK3 protein (p.Ser740Leu). This variant is present in population databases (rs375441580, gnomAD 0.02%). This variant has not been reported in the literature in individuals affected with MYLK3-related conditions. ClinVar contains an entry for this variant (Variation ID: 1443620). An algorithm developed to predict the effect of missense changes on protein structure and function (PolyPhen-2) suggests that this variant is likely to be disruptive. In summary, the available evidence is currently insufficient to determine the role of this variant in disease. Therefore, it has been classified as a Variant of Uncertain Significance.

Breakthrough Genomics
Classification: Uncertain significance. Review status: criteria provided, single submitter. Criteria: ACMG Guidelines, 2015. Collection method: not provided. Allele origin: germline. Inheritance: Unknown mechanism. Affected: yes.